The following is an entry in ClinVar:

NM_015100.4(POGZ):c.2321_2324del (p.Ser774fs)

Gene: POGZ (pogo transposable element derived with ZNF domain; minus strand). Cytogenetic location: 1q21.3.
Variant type: Microsatellite.
Coding change: c.2321_2324del on transcript NM_015100.4 (MANE Select); coding-DNA positions 2321 to 2324, 4 bases deleted (CTCT; older notation c.2321_2324delCTCT).
Protein change: p.Ser774fs; shifts the reading frame from serine 774.
Molecular consequence: frameshift variant.
Genome position (GRCh38, 1-based): chr1:151,408,151-151,408,154, AGAG deleted on the plus strand (CTCT on the coding strand, the reverse complement: POGZ is on the minus strand); deleting any 4 consecutive bases within chr1:151,408,151-151,408,156 gives the same sequence; the c. name uses the placement nearest the transcript's 3' end. VCF-style (leftmost placement, unchanged base first): chr1-151408150-CAGAG-C. GRCh37 (hg19) VCF-style: chr1-151380626-CAGAG-C.
Other names: c.2321_2324del (NM_015100.3); c.2321_2324delCTCT (NM_015100.3); c.2294_2297del, p.Ser765fs (NM_001194937.2); c.2135_2138del, p.Ser712fs (NM_001194938.2); c.2036_2039del, p.Ser679fs (NM_145796.4); c.2162_2165del, p.Ser721fs (NM_207171.2); short protein forms S712fs, S774fs, S765fs, S679fs, S721fs.
Identifiers: ClinVar variation 218146 (VCV000218146.4), dbSNP rs864321671, ClinGen allele CA347937.

ClinVar aggregate classification (germline): Pathogenic. Review status: criteria provided, multiple submitters, no conflicts (2 of 4 stars). 4 submissions from 3 submitters: Pathogenic (3). 1 of the submissions does not count toward it. Last evaluated 2023-04-11.

Conditions:
Smith-Magenis Syndrome-like.
Intellectual disability-microcephaly-strabismus-behavioral abnormalities syndrome. Also called: White-Sutton Syndrome. Identifiers: Orphanet 468678, MedGen C4225351, MONDO:0014606, OMIM 616364.

Submissions (4):

Genome-Nilou Lab
Classification: Pathogenic for Intellectual disability-microcephaly-strabismus-behavioral abnormalities syndrome. Last evaluated: 2023-04-11. Review status: criteria provided, single submitter. Criteria: ACMG Guidelines, 2015. Collection method: clinical testing. Allele origin: germline. Affected: no.

GeneDx
Classification: Pathogenic. Last evaluated: 2023-02-12. Review status: criteria provided, single submitter. Criteria: GeneDx Variant Classification Process June 2021. Collection method: clinical testing. Allele origin: germline. Affected: yes.
Comment: Frameshift variant predicted to result in protein truncation or nonsense mediated decay in a gene for which loss of function is a known mechanism of disease; Not observed at significant frequency in large population cohorts (gnomAD); This variant is associated with the following publications: (PMID: 25533962, 26739615, 27799067, 31981491)

Lupski Lab, Baylor-Hopkins CMG, Baylor College of Medicine
Classification: Pathogenic for Smith-Magenis Syndrome-like. Last evaluated: 2016-08-15. Review status: criteria provided, single submitter. Criteria: Loviglio et al (Genome Med 2016). Collection method: research. Allele origin: unknown. Inheritance: Autosomal dominant inheritance. Affected: yes. Study: Identification of a RAI1-associated disease network through integration of exome sequencing, transcriptomics and 3D genomics.

Lupski Lab, Baylor-Hopkins CMG, Baylor College of Medicine
Classification: Pathogenic for Intellectual disability-microcephaly-strabismus-behavioral abnormalities syndrome. Last evaluated: 2015-11-10. Review status: no assertion criteria provided. Collection method: clinical testing. Allele origin: germline. Inheritance: Autosomal dominant inheritance. Affected: yes. Not counted in ClinVar's aggregate classification.

Literature cited by the submitters: PubMed 26739615 (cited by Lupski Lab, Baylor-Hopkins CMG, Baylor College of Medicine); PubMed 25533962 (cited by Lupski Lab, Baylor-Hopkins CMG, Baylor College of Medicine).